The following is an entry in ClinVar:

NM_032620.4(GTPBP3):c.136T>G (p.Cys46Gly)

Gene: GTPBP3 (GTP binding protein 3, mitochondrial; plus strand). Cytogenetic location: 19p13.11.
Variant type: single nucleotide variant.
Coding change: c.136T>G on transcript NM_032620.4 (MANE Select); coding-DNA position 136, T replaced by G.
Protein change: p.Cys46Gly; replaces cysteine 46 with glycine.
Molecular consequence: missense variant.
Genome position (GRCh38, 1-based): chr19:17,338,090, T>G. VCF-style: chr19-17338090-T-G. GRCh37 (hg19) VCF-style: chr19-17448899-T-G.
Other names: c.136T>G, p.Cys46Gly (NM_001128855.3, NM_133644.4); c.202T>G, p.Cys68Gly (NM_001195422.1); c.136T>G (NM_133644.3); short protein forms C68G, C46G.
Identifiers: ClinVar variation 1498965 (VCV001498965.6), dbSNP rs577981067, ClinGen allele CA9293242.

ClinVar aggregate classification (germline): Uncertain significance. Review status: criteria provided, multiple submitters, no conflicts (2 of 4 stars). 2 submissions from 2 submitters: Uncertain significance (2). Last evaluated 2025-04-20.

Conditions:
Inborn genetic diseases. Identifiers: MedGen C0950123, MeSH D030342.

Allele frequency attached by ClinVar (database versions not stated): gnomAD 0.00001 and 0.00003; 1000 Genomes Project 30x 0.00016; gnomAD exomes 0.00005; 1000 Genomes Project 0.00020; TOPMed 0.00002; ExAC 0.00009.
gnomAD v4.1: 68 of 1,597,330 alleles (0.0043%); highest among the groups gnomAD compares: East Asian, 0.15%; no homozygotes.

Submissions (2):

Ambry Genetics
Classification: Uncertain significance for Inborn genetic diseases. Last evaluated: 2025-04-20. Review status: criteria provided, single submitter. Criteria: Ambry Variant Classification Scheme 2023. Collection method: clinical testing. Allele origin: germline.

Labcorp Genetics (formerly Invitae), Labcorp
Classification: Uncertain significance. Last evaluated: 2022-05-16. Review status: criteria provided, single submitter. Criteria: Invitae Variant Classification Sherloc (09022015). Collection method: clinical testing. Allele origin: germline.
Comment: This sequence change replaces cysteine, which is neutral and slightly polar, with glycine, which is neutral and non-polar, at codon 46 of the GTPBP3 protein (p.Cys46Gly). This variant is present in population databases (rs577981067, gnomAD 0.07%). This variant has not been reported in the literature in individuals affected with GTPBP3-related conditions. Algorithms developed to predict the effect of missense changes on protein structure and function are either unavailable or do not agree on the potential impact of this missense change (SIFT: "Tolerated"; PolyPhen-2: "Probably Damaging"; Align-GVGD: "Class C0"). In summary, the available evidence is currently insufficient to determine the role of this variant in disease. Therefore, it has been classified as a Variant of Uncertain Significance.